The following is an entry in ClinVar:

ClinVar aggregate classification (germline): Uncertain significance (1 of 4 stars; one submission).

Conditions:
Hereditary cancer-predisposing syndrome. Also called: Neoplastic Syndromes, Hereditary; Tumor predisposition; Hereditary neoplastic syndrome; Hereditary Cancer Syndrome. Identifiers: Orphanet 140162, MedGen C0027672, MeSH D009386, MONDO:0015356.

Submission:

Ambry Genetics
Classification: Uncertain significance for Hereditary cancer-predisposing syndrome. Last evaluated: 2026-07-02. Review status: criteria provided, single submitter. Criteria: Ambry Variant Classification Scheme 2023. Collection method: clinical testing. Allele origin: germline.
Comment: The p.K336I variant (also known as c.1007A>T), located in coding exon 6 of the MSH3 gene, results from an A to T substitution at nucleotide position 1007. The lysine at codon 336 is replaced by isoleucine, an amino acid with dissimilar properties. This amino acid position is conserved. In addition, this alteration is predicted to be deleterious by in silico analysis. Based on the available evidence, the clinical significance of this variant remains unclear.

NM_002439.5(MSH3):c.1007A>T (p.Lys336Ile)

Genes: MSH3 (mutS homolog 3; plus strand), LOC126807437 (MED14-independent group 3 enhancer GRCh37_chr5:79968379-79969578; plus strand). Cytogenetic location: 5q14.1.
Variant type: single nucleotide variant.
Coding change: c.1007A>T on transcript NM_002439.5 (MANE Select); coding-DNA position 1007, A replaced by T.
Protein change: p.Lys336Ile; replaces lysine 336 with isoleucine.
Molecular consequence: missense variant.
Genome position (GRCh38, 1-based): chr5:80,672,838, A>T. VCF-style: chr5-80672838-A-T. GRCh37 (hg19) VCF-style: chr5-79968657-A-T.
Other names: short protein forms K336I.
Identifiers: ClinVar variation 5024760 (VCV005024760.1).
Genomic context (GRCh38, chr5:80,672,838, plus strand): 5'-AGGCCATTGGAGACAACAGAAGTTCACTCTTTTCCCGGAAATTGACTGCCCTTTATACAA[A>T]ATCTACACTTATTGGAGAAGATATCCTTTTTGGACGGGAGTTTTTCTCTTAAATGATACA-3'
Protein context (NP_002430.3, residues 326-346): FSRKLTALYT[Lys336Ile]STLIGEDVNP